The following is an entry in ClinVar:

NM_001371986.1(UNC80):c.9922A>G (p.Thr3308Ala)

Gene: UNC80 (unc-80 subunit of NALCN channel complex; plus strand). Cytogenetic location: 2q34.
Variant type: single nucleotide variant.
Coding change: c.9922A>G on transcript NM_001371986.1 (MANE Select); coding-DNA position 9922, A replaced by G.
Protein change: p.Thr3308Ala; replaces threonine 3308 with alanine.
Molecular consequence: missense variant.
Genome position (GRCh38, 1-based): chr2:209,995,542, A>G. VCF-style: chr2-209995542-A-G. GRCh37 (hg19) VCF-style: chr2-210860266-A-G.
Other names: c.9724A>G, p.Thr3242Ala (NM_032504.2); c.9652A>G, p.Thr3218Ala (NM_182587.4); short protein forms T3218A, T3242A, T3308A.
Identifiers: ClinVar variation 3242142 (VCV003242142.1), dbSNP rs2471270775.

ClinVar aggregate classification (germline): Uncertain significance (1 of 4 stars; one submission).

Conditions:
Hypotonia, infantile, with psychomotor retardation and characteristic facies 2 (IHPRF2). Also called: UNC80 Deficiency. Identifiers: Orphanet 371364, Orphanet 700333, MedGen C4225203, MONDO:0014777, OMIM 616801.

Submission:

Neuberg Centre For Genomic Medicine, NCGM
Classification: Uncertain significance for Hypotonia, infantile, with psychomotor retardation and characteristic facies 2. Review status: criteria provided, single submitter. Criteria: ACMG Guidelines, 2015. Collection method: clinical testing. Allele origin: germline. Inheritance: Autosomal recessive inheritance. Affected: yes.
Comment: The observed missense variant c.9922A>G (p.Thr3308Ala) in UNC80 gene has not been reported previously as a pathogenic variant nor as a benign variant, to our knowledge. The p.Thr3308Ala variant is absent in gnomAD Exomes database. This variant has not been submitted to the ClinVar database. The amino acid change p.Thr3308Ala in UNC80 is predicted as conserved by GERP++ and PhyloP across 100 vertebrates. The amino acid Thr at position 3308 is changed to a Ala changing protein sequence and it might alter its composition and physico-chemical properties. Computational evidence predicts no damaging effect on protein structure and function for this variant (Polyphen - benign; Sift - tolerated; Mutation Taster - polmorphism). For these reasons, this variant has been classified as a Variant of Uncertain Significance (VUS).